The following is an entry in ClinVar:

ClinVar aggregate classification (germline): Uncertain significance (1 of 4 stars; one submission).

Conditions:
CHARGE syndrome (CHARGE). Also called: Hittner Hirsch Kreh syndrome; CHARGE ASSOCIATION--COLOBOMA, HEART ANOMALY, CHOANAL ATRESIA, RETARDATION, GENITAL AND EAR ANOMALIES; Coloboma, heart anomaly, choanal atresia, retardation, genital and ear anomalies; CHARGE association; Hall-Hittner syndrome. Identifiers: Orphanet 138, MedGen C0265354, MONDO:0008965.

Submission:

Labcorp Genetics (formerly Invitae), Labcorp
Classification: Uncertain significance for CHARGE syndrome. Last evaluated: 2025-05-17. Review status: criteria provided, single submitter. Criteria: Invitae Variant Classification Sherloc (09022015). Collection method: clinical testing. Allele origin: germline.
Comment: This sequence change replaces glutamine, which is neutral and polar, with glutamic acid, which is acidic and polar, at codon 201 of the CHD7 protein (p.Gln201Glu). This variant is not present in population databases (gnomAD no frequency). This variant has not been reported in the literature in individuals affected with CHD7-related conditions. Invitae Evidence Modeling of protein sequence and biophysical properties (such as structural, functional, and spatial information, amino acid conservation, physicochemical variation, residue mobility, and thermodynamic stability) indicates that this missense variant is not expected to disrupt CHD7 protein function with a negative predictive value of 95%. In summary, the available evidence is currently insufficient to determine the role of this variant in disease. Therefore, it has been classified as a Variant of Uncertain Significance.

NM_017780.4(CHD7):c.601C>G (p.Gln201Glu)

Gene: CHD7 (chromodomain helicase DNA binding protein 7; plus strand). Cytogenetic location: 8q12.2.
Variant type: single nucleotide variant.
Coding change: c.601C>G on transcript NM_017780.4 (MANE Select); coding-DNA position 601, C replaced by G.
Protein change: p.Gln201Glu; replaces glutamine 201 with glutamic acid.
Molecular consequence: missense variant.
Genome position (GRCh38, 1-based): chr8:60,742,033, C>G. VCF-style: chr8-60742033-C-G. GRCh37 (hg19) VCF-style: chr8-61654592-C-G.
Other names: c.601C>G, p.Gln201Glu (NM_001316690.1); short protein forms Q201E.
Identifiers: ClinVar variation 4802740 (VCV004802740.1).